The following is an entry in ClinVar:

ClinVar aggregate classification (germline): Pathogenic. Review status: criteria provided, multiple submitters, no conflicts (2 of 4 stars). 2 submissions from 2 submitters: Pathogenic (2). Last evaluated 2025-12-18.

Conditions:
Nephrotic syndrome, type 2 (NPHS2). Also called: NEPHROTIC SYNDROME, STEROID-RESISTANT, AUTOSOMAL RECESSIVE. Identifiers: Orphanet 656, MedGen C1868672, MONDO:0010974, OMIM 600995.

Allele frequency attached by ClinVar (database versions not stated): TOPMed below 0.00001.
gnomAD v4.1: 1 of 1,517,762 alleles (0.000066%); highest among the groups gnomAD compares: Admixed American, 0.0021%; no homozygotes.

Submissions (2):

3billion
Classification: Pathogenic for Nephrotic syndrome, type 2. Last evaluated: 2025-12-18. Review status: criteria provided, single submitter. Criteria: ACMG Guidelines, 2015. Collection method: clinical testing. Allele origin: germline. Affected: yes.
Comment: The variant is observed at an extremely low frequency in the gnomAD v4.1.0 dataset (total allele frequency: <0.001%). Predicted Consequence/Location: Stop-gained (nonsense): predicted to result in a loss or disruption of normal protein function through nonsense-mediated decay (NMD) or protein truncation. Multiple pathogenic variants are reported downstream of the variant. The variant has been reported to be associated with NPHS2-related disorder (ClinVar ID: VCV003024013). Therefore, this variant is classified as Pathogenic according to the recommendation of ACMG/AMP guideline.

Labcorp Genetics (formerly Invitae), Labcorp
Classification: Pathogenic. Last evaluated: 2023-11-17. Review status: criteria provided, single submitter. Criteria: Invitae Variant Classification Sherloc (09022015). Collection method: clinical testing. Allele origin: germline.
Comment: This sequence change creates a premature translational stop signal (p.Glu44*) in the NPHS2 gene. It is expected to result in an absent or disrupted protein product. Loss-of-function variants in NPHS2 are known to be pathogenic (PMID: 10742096, 14701729, 15253708, 23595123). This variant is not present in population databases (gnomAD no frequency). This variant has not been reported in the literature in individuals affected with NPHS2-related conditions. For these reasons, this variant has been classified as Pathogenic.

Literature cited by the submitters: PubMed 10742096 (cited by Labcorp Genetics (formerly Invitae), Labcorp); PubMed 14701729 (cited by Labcorp Genetics (formerly Invitae), Labcorp); PubMed 15253708 (cited by Labcorp Genetics (formerly Invitae), Labcorp); PubMed 23595123 (cited by Labcorp Genetics (formerly Invitae), Labcorp).

NM_014625.4(NPHS2):c.130G>T (p.Glu44Ter)

Gene: NPHS2 (NPHS2 stomatin family member, podocin; minus strand). Cytogenetic location: 1q25.2.
Variant type: single nucleotide variant.
Coding change: c.130G>T on transcript NM_014625.4 (MANE Select); coding-DNA position 130, G replaced by T.
Protein change: p.Glu44Ter; replaces glutamic acid 44 with a stop codon.
Molecular consequence: nonsense.
Genome position (GRCh38, 1-based): chr1:179,575,735, C>A on the plus strand (G>T on the coding strand, the complement: NPHS2 is on the minus strand). VCF-style: chr1-179575735-C-A. GRCh37 (hg19) VCF-style: chr1-179544870-C-A.
Other names: c.130G>T, p.Glu44Ter (NM_001297575.2); short protein forms E44*.
Identifiers: ClinVar variation 3024013 (VCV003024013.4), dbSNP rs759402903, ClinGen allele CA343553635.
Genomic context (GRCh38, chr1:179,575,735, plus strand): 5'-CCGTGGCGGCGGGCGCTCGGGGCTCCCCCGGGGTCCCCGCCCGTCCGGAGCCCGACGGCT[C>A]GGGCCCAGCCTCCTGGCGCCCGCGGCCTCCGCCGCTCCTCTCGGCCTTTGCCCTCTTGTT-3'